The following is an entry in ClinVar:

ClinVar aggregate classification (germline): Uncertain significance (1 of 4 stars; one submission).

Submission:

Labcorp Genetics (formerly Invitae), Labcorp
Classification: Uncertain significance. Last evaluated: 2022-11-06. Review status: criteria provided, single submitter. Criteria: Invitae Variant Classification Sherloc (09022015). Collection method: clinical testing. Allele origin: germline.
Comment: In summary, the available evidence is currently insufficient to determine the role of this variant in disease. Therefore, it has been classified as a Variant of Uncertain Significance. Advanced modeling of protein sequence and biophysical properties (such as structural, functional, and spatial information, amino acid conservation, physicochemical variation, residue mobility, and thermodynamic stability) performed at Invitae indicates that this missense variant is expected to disrupt ACO2 protein function. This variant has not been reported in the literature in individuals affected with ACO2-related conditions. This variant is not present in population databases (gnomAD no frequency). This sequence change replaces histidine, which is basic and polar, with tyrosine, which is neutral and polar, at codon 174 of the ACO2 protein (p.His174Tyr).

NM_001098.3(ACO2):c.520C>T (p.His174Tyr)

Gene: ACO2 (aconitase 2; plus strand). Cytogenetic location: 22q13.2.
Variant type: single nucleotide variant.
Coding change: c.520C>T on transcript NM_001098.3 (MANE Select); coding-DNA position 520, C replaced by T.
Protein change: p.His174Tyr; replaces histidine 174 with tyrosine.
Molecular consequence: missense variant.
Genome position (GRCh38, 1-based): chr22:41,511,963, C>T. VCF-style: chr22-41511963-C-T. GRCh37 (hg19) VCF-style: chr22-41907967-C-T.
Other names: short protein forms H174Y.
Identifiers: ClinVar variation 2812466 (VCV002812466.3), dbSNP rs2066436502, ClinGen allele CA411716155.